The following is an entry in ClinVar:

NM_024577.4(SH3TC2):c.1603_1611del (p.Gly535_Leu537del)

Gene: SH3TC2 (SH3 domain and tetratricopeptide repeats 2; minus strand). Cytogenetic location: 5q32.
Variant type: Deletion.
Coding change: c.1603_1611del on transcript NM_024577.4 (MANE Select); coding-DNA positions 1603 to 1611, 9 bases deleted (GGCCGGCTG; older notation c.1603_1611delGGCCGGCTG).
Protein change: p.Gly535_Leu537del.
Molecular consequence: inframe deletion.
Genome position (GRCh38, 1-based): chr5:149,028,121-149,028,129, CAGCCGGCC deleted on the plus strand (GGCCGGCTG on the coding strand, the reverse complement: SH3TC2 is on the minus strand); deleting any 9 consecutive bases within chr5:149,028,121-149,028,132 gives the same sequence; the c. name uses the placement nearest the transcript's 3' end. VCF-style (leftmost placement, unchanged base first): chr5-149028120-TCAGCCGGCC-T. GRCh37 (hg19) VCF-style: chr5-148407683-TCAGCCGGCC-T.
Identifiers: ClinVar variation 2764369 (VCV002764369.3), dbSNP rs2531773570, ClinGen allele CA2697546540.
Genomic context (GRCh38, chr5:149,028,120, plus strand): 5'-GAATGTGGATGGCCTCCTCGAAGTACACCCTGGCCTGAGAGAGTTTGACCTTCCTGATGC[TCAGCCGGCC>T]CAGGAGGAAGCAGAGACGGGCATGGGCCCAGGTCATGTGGCTCTTCTTGGCCCACTTTCT-3'

ClinVar aggregate classification (germline): Uncertain significance (1 of 4 stars; one submission).

Conditions:
Charcot-Marie-Tooth disease type 4. Also called: Charcot-Marie-Tooth disease, type IV; Charcot-Marie-Tooth, Type 4. Identifiers: Orphanet 64749, MedGen C4082197, MONDO:0018995.

Submission:

Labcorp Genetics (formerly Invitae), Labcorp
Classification: Uncertain significance for Charcot-Marie-Tooth disease type 4. Last evaluated: 2023-09-29. Review status: criteria provided, single submitter. Criteria: Invitae Variant Classification Sherloc (09022015). Collection method: clinical testing. Allele origin: germline.
Comment: In summary, the available evidence is currently insufficient to determine the role of this variant in disease. Therefore, it has been classified as a Variant of Uncertain Significance. Experimental studies and prediction algorithms are not available or were not evaluated, and the functional significance of this variant is currently unknown. This variant has been observed in individual(s) with Charcot-Marie-Tooth disease (Invitae). This variant is not present in population databases (gnomAD no frequency). This variant, c.1603_1611del, results in the deletion of 3 amino acid(s) of the SH3TC2 protein (p.Gly535_Leu537del), but otherwise preserves the integrity of the reading frame.